The following is an entry in ClinVar:

ClinVar aggregate classification (germline): Uncertain significance. Review status: criteria provided, multiple submitters, no conflicts (2 of 4 stars). 3 submissions from 3 submitters: Uncertain significance (3). Last evaluated 2025-07-27.

Conditions:
Inborn genetic diseases. Identifiers: MedGen C0950123, MeSH D030342.
Focal segmental glomerulosclerosis 2 (FSGS2). Identifiers: Orphanet 656, MedGen C1858915, MONDO:0011390, OMIM 603965.

Allele frequency attached by ClinVar (database versions not stated): gnomAD exomes below 0.00001; ExAC 0.00004; gnomAD 0.00007; ESP Exome Variant Server 0.00008; TOPMed 0.00008.
gnomAD v4.1: 17 of 1,613,784 alleles (0.0011%); highest among the groups gnomAD compares: African/African-American, 0.021%; no homozygotes.

Submissions (3):

Labcorp Genetics (formerly Invitae), Labcorp
Classification: Uncertain significance. Last evaluated: 2025-07-27. Review status: criteria provided, single submitter. Criteria: Invitae Variant Classification Sherloc (09022015). Collection method: clinical testing. Allele origin: germline.
Comment: This sequence change replaces glutamic acid, which is acidic and polar, with aspartic acid, which is acidic and polar, at codon 200 of the TRPC6 protein (p.Glu200Asp). This variant is present in population databases (rs145358649, gnomAD 0.02%). This variant has not been reported in the literature in individuals affected with TRPC6-related conditions. ClinVar contains an entry for this variant (Variation ID: 2407367). Invitae Evidence Modeling of protein sequence and biophysical properties (such as structural, functional, and spatial information, amino acid conservation, physicochemical variation, residue mobility, and thermodynamic stability) indicates that this missense variant is not expected to disrupt TRPC6 protein function with a negative predictive value of 95%. In summary, the available evidence is currently insufficient to determine the role of this variant in disease. Therefore, it has been classified as a Variant of Uncertain Significance.

Fulgent Genetics
Classification: Uncertain significance for Focal segmental glomerulosclerosis 2. Last evaluated: 2024-03-29. Review status: criteria provided, single submitter. Criteria: ACMG Guidelines, 2015. Collection method: clinical testing. Allele origin: germline.

Ambry Genetics
Classification: Uncertain significance for Inborn genetic diseases. Last evaluated: 2022-08-12. Review status: criteria provided, single submitter. Criteria: Ambry Variant Classification Scheme 2023. Collection method: clinical testing. Allele origin: germline.

NM_004621.6(TRPC6):c.600A>T (p.Glu200Asp)

Gene: TRPC6 (transient receptor potential cation channel subfamily C member 6; minus strand). Cytogenetic location: 11q22.1.
Variant type: single nucleotide variant.
Coding change: c.600A>T on transcript NM_004621.6 (MANE Select); coding-DNA position 600, A replaced by T.
Protein change: p.Glu200Asp; replaces glutamic acid 200 with aspartic acid.
Molecular consequence: missense variant.
Genome position (GRCh38, 1-based): chr11:101,504,369, T>A on the plus strand (A>T on the coding strand, the complement: TRPC6 is on the minus strand). VCF-style: chr11-101504369-T-A. GRCh37 (hg19) VCF-style: chr11-101375100-T-A.
Other names: short protein forms E200D.
Identifiers: ClinVar variation 2407367 (VCV002407367.5), dbSNP rs145358649, ClinGen allele CA6244494.